The following is an entry in ClinVar:

NM_019885.4(CYP26B1):c.571C>T (p.Arg191Cys)

Gene: CYP26B1 (cytochrome P450 family 26 subfamily B member 1; minus strand). Cytogenetic location: 2p13.2.
Variant type: single nucleotide variant.
Coding change: c.571C>T on transcript NM_019885.4 (MANE Select); coding-DNA position 571, C replaced by T.
Protein change: p.Arg191Cys; replaces arginine 191 with cysteine.
Molecular consequence: missense variant.
Genome position (GRCh38, 1-based): chr2:72,135,278, G>A on the plus strand (C>T on the coding strand, the complement: CYP26B1 is on the minus strand). VCF-style: chr2-72135278-G-A. GRCh37 (hg19) VCF-style: chr2-72362407-G-A.
Other names: c.346C>T, p.Arg116Cys (NM_001277742.2); short protein forms R116C, R191C.
Identifiers: ClinVar variation 4799623 (VCV004799623.1).
Genomic context (GRCh38, chr2:72,135,278, plus strand): 5'-AGAGGTGCCCAAGGTCCTCCTCAGGGATGCTGAAGCCCAGCAGCACCCGGATGGCCATGC[G>A]GAAGGTCAGCTTCTGCGCCTCCTGGTACACGTTGATGGCCTCGGGGTGGCTGCTCCAGGC-3'
Protein context (NP_063938.1, residues 181-201): VYQEAQKLTF[Arg191Cys]MAIRVLLGFS

ClinVar aggregate classification (germline): Uncertain significance (1 of 4 stars; one submission).

gnomAD v4.1: 309 of 1,614,086 alleles (0.019%); highest among the groups gnomAD compares: Middle Eastern, 0.17%; 2 homozygotes.

Submission:

Labcorp Genetics (formerly Invitae), Labcorp
Classification: Uncertain significance. Last evaluated: 2026-01-13. Review status: criteria provided, single submitter. Criteria: Invitae Variant Classification Sherloc (09022015). Collection method: clinical testing. Allele origin: germline.
Comment: This sequence change replaces arginine, which is basic and polar, with cysteine, which is neutral and slightly polar, at codon 191 of the CYP26B1 protein (p.Arg191Cys). This variant is present in population databases (rs200044057, gnomAD 0.2%). This variant has not been reported in the literature in individuals affected with CYP26B1-related conditions. An algorithm developed to predict the effect of missense changes on protein structure and function (PolyPhen-2) suggests that this variant is likely to be disruptive. In summary, the available evidence is currently insufficient to determine the role of this variant in disease. Therefore, it has been classified as a Variant of Uncertain Significance.